The following is an entry in ClinVar:

ClinVar aggregate classification (germline): Likely benign. Review status: criteria provided, multiple submitters, no conflicts (2 of 4 stars). 3 submissions from 3 submitters: Likely benign (3). Last evaluated 2025-06-13.

Conditions:
Factor I deficiency (CFID). Also called: Complement factor I deficiency. Identifiers: Orphanet 200418, MedGen C3463916, MONDO:0012594, OMIM 610984.
Age related macular degeneration 13. Identifiers: MedGen C3809523, MONDO:0014189, OMIM 615439.
Atypical hemolytic-uremic syndrome with I factor anomaly. Also called: HEMOLYTIC UREMIC SYNDROME, ATYPICAL, SUSCEPTIBILITY TO, 3; AHUS, SUSCEPTIBILITY TO, 3. Identifiers: Orphanet 2134, MedGen C2752039, MONDO:0013041, OMIM 612923.

Allele frequency attached by ClinVar (database versions not stated): gnomAD exomes 0.00001 and 0.00002; ExAC 0.00002; TOPMed 0.00009; gnomAD 0.00010; ESP Exome Variant Server 0.00015; 1000 Genomes Project 30x 0.00031.
gnomAD v4.1: 26 of 1,611,192 alleles (0.0016%); highest among the groups gnomAD compares: African/African-American, 0.035%; no homozygotes.

Submissions (3):

Labcorp Genetics (formerly Invitae), Labcorp
Classification: Likely benign. Last evaluated: 2025-06-13. Review status: criteria provided, single submitter. Criteria: Invitae Variant Classification Sherloc (09022015). Collection method: clinical testing. Allele origin: germline.

CeGaT Center for Human Genetics Tuebingen
Classification: Likely benign. Last evaluated: 2024-11-01. Review status: criteria provided, single submitter. Criteria: CeGaT Center For Human Genetics Tuebingen Variant Classification Criteria Version 2. Collection method: clinical testing. Allele origin: germline. Affected: yes. Observed: 1 variant allele.
Comment: CFI: BP4, BP7

Fulgent Genetics
Classification: Likely benign for Factor I deficiency; Atypical hemolytic-uremic syndrome with I factor anomaly; Age related macular degeneration 13. Last evaluated: 2022-02-26. Review status: criteria provided, single submitter. Criteria: ACMG Guidelines, 2015. Collection method: clinical testing. Allele origin: unknown.

NM_000204.5(CFI):c.705T>C (p.Ile235=)

Gene: CFI (complement factor I; minus strand). Cytogenetic location: 4q25.
Variant type: single nucleotide variant.
Coding change: c.705T>C on transcript NM_000204.5 (MANE Select); coding-DNA position 705, T replaced by C.
Protein change: p.Ile235=; no amino-acid change (isoleucine 235 retained).
Molecular consequence: synonymous variant. On other transcripts: non-coding transcript variant (3).
Genome position (GRCh38, 1-based): chr4:109,760,590, A>G on the plus strand (T>C on the coding strand, the complement: CFI is on the minus strand). VCF-style: chr4-109760590-A-G. GRCh37 (hg19) VCF-style: chr4-110681746-A-G.
Other names: c.705T>C, p.Ile235= (NM_001318057.2, NM_001331035.2, NM_001375278.1 and 5 more transcripts); c.96T>C, p.Ile32= (NM_001375284.1).
Identifiers: ClinVar variation 1592730 (VCV001592730.23), dbSNP rs373891906, ClinGen allele CA3042204.